The following is an entry in ClinVar:

ClinVar aggregate classification (germline): Likely pathogenic (1 of 4 stars; one submission).

Conditions:
Peroxisome biogenesis disorder 7A (Zellweger). Also called: Peroxisome biogenesis disorder 7A. Identifiers: Orphanet 912, MedGen C3888385, MONDO:0013938, OMIM 614872.
Peroxisome biogenesis disorder 7B (PBD7B). Identifiers: Orphanet 44, MedGen C3553951, MONDO:0013939, OMIM 614873.

Submission:

Labcorp Genetics (formerly Invitae), Labcorp
Classification: Likely pathogenic for Peroxisome biogenesis disorder 7A (Zellweger); Peroxisome biogenesis disorder 7B. Last evaluated: 2024-03-17. Review status: criteria provided, single submitter. Criteria: Invitae Variant Classification Sherloc (09022015). Collection method: clinical testing. Allele origin: germline.
Comment: This sequence change affects a donor splice site in intron 3 of the PEX26 gene. It is expected to disrupt RNA splicing. Variants that disrupt the donor or acceptor splice site typically lead to a loss of protein function (PMID: 16199547), and loss-of-function variants in PEX26 are known to be pathogenic (PMID: 12851857, 21031596). This variant is not present in population databases (gnomAD no frequency). This variant has not been reported in the literature in individuals affected with PEX26-related conditions. Algorithms developed to predict the effect of sequence changes on RNA splicing suggest that this variant may disrupt the consensus splice site. In summary, the currently available evidence indicates that the variant is pathogenic, but additional data are needed to prove that conclusively. Therefore, this variant has been classified as Likely Pathogenic.

Literature cited by the submitters: PubMed 16199547; PubMed 12851857; PubMed 21031596.

NM_001127649.3(PEX26):c.371+1G>T

Gene: PEX26 (peroxisomal biogenesis factor 26; plus strand). Cytogenetic location: 22q11.21.
Variant type: single nucleotide variant.
Coding change: c.371+1G>T on transcript NM_001127649.3 (MANE Select); the canonical splice donor site of the intron after coding-DNA position 371, G replaced by T.
Molecular consequence: splice donor variant.
Genome position (GRCh38, 1-based): chr22:18,080,015, G>T. VCF-style: chr22-18080015-G-T. GRCh37 (hg19) VCF-style: chr22-18562781-G-T.
Other names: c.371+1G>T (NM_017929.6, NM_001199319.2).
Identifiers: ClinVar variation 3750902 (VCV003750902.2).